The following is an entry in ClinVar:

NM_006158.5(NEFL):c.1525G>A (p.Glu509Lys)

Gene: NEFL (neurofilament light chain; minus strand). Cytogenetic location: 8p21.2.
Variant type: single nucleotide variant.
Coding change: c.1525G>A on transcript NM_006158.5 (MANE Select); coding-DNA position 1525, G replaced by A.
Protein change: p.Glu509Lys; replaces glutamic acid 509 with lysine.
Molecular consequence: missense variant.
Genome position (GRCh38, 1-based): chr8:24,952,917, C>T on the plus strand (G>A on the coding strand, the complement: NEFL is on the minus strand). VCF-style: chr8-24952917-C-T. GRCh37 (hg19) VCF-style: chr8-24810430-C-T.
Other names: short protein forms E509K.
Identifiers: ClinVar variation 2884862 (VCV002884862.3), dbSNP rs770809108, ClinGen allele CA4681244.

ClinVar aggregate classification (germline): Uncertain significance (1 of 4 stars; one submission).

Conditions:
Charcot-Marie-Tooth disease type 2E (CMT2E). Also called: CHARCOT-MARIE-TOOTH DISEASE, AXONAL, TYPE 2E; CHARCOT-MARIE-TOOTH NEUROPATHY, TYPE 2E. Identifiers: Orphanet 99939, MedGen C1843225, MONDO:0011894, OMIM 607684.

Allele frequency attached by ClinVar (database versions not stated): ExAC 0.00001.

Submission:

Labcorp Genetics (formerly Invitae), Labcorp
Classification: Uncertain significance for Charcot-Marie-Tooth disease type 2E. Last evaluated: 2023-02-20. Review status: criteria provided, single submitter. Criteria: Invitae Variant Classification Sherloc (09022015). Collection method: clinical testing. Allele origin: germline.
Comment: In summary, the available evidence is currently insufficient to determine the role of this variant in disease. Therefore, it has been classified as a Variant of Uncertain Significance. Advanced modeling of protein sequence and biophysical properties (such as structural, functional, and spatial information, amino acid conservation, physicochemical variation, residue mobility, and thermodynamic stability) has been performed at Invitae for this missense variant, however the output from this modeling did not meet the statistical confidence thresholds required to predict the impact of this variant on NEFL protein function. This variant has not been reported in the literature in individuals affected with NEFL-related conditions. This variant is present in population databases (rs770809108, gnomAD 0.0009%). This sequence change replaces glutamic acid, which is acidic and polar, with lysine, which is basic and polar, at codon 509 of the NEFL protein (p.Glu509Lys).